The following is an entry in ClinVar:

ClinVar aggregate classification (germline): Benign (0 of 4 stars; one submission).

Conditions:
ITPR3-related disorder. Also called: ITPR3-related condition.

Allele frequency attached by ClinVar (database versions not stated): ESP Exome Variant Server 0.35030; TOPMed 0.38934; gnomAD 0.40783; gnomAD exomes 0.46707; 1000 Genomes Project 30x 0.50000; 1000 Genomes Project 0.51038; ExAC 0.52443.
gnomAD v4.1: 734,197 of 1,592,014 alleles (46%); highest among the groups gnomAD compares: East Asian, 84%; 180,619 homozygotes.

Submission:

PreventionGenetics, part of Exact Sciences
Classification: Benign for ITPR3-related condition. Last evaluated: 2019-10-17. Review status: no assertion criteria provided. Collection method: clinical testing. Allele origin: germline.
Comment: This variant is classified as benign based on ACMG/AMP sequence variant interpretation guidelines (Richards et al. 2015 PMID: 25741868, with internal and published modifications).

NM_002224.4(ITPR3):c.5511C>T (p.Gly1837=)

Gene: ITPR3 (inositol 1,4,5-trisphosphate receptor type 3; plus strand). Cytogenetic location: 6p21.31.
Variant type: single nucleotide variant.
Coding change: c.5511C>T on transcript NM_002224.4 (MANE Select); coding-DNA position 5511, C replaced by T.
Protein change: p.Gly1837=; no amino-acid change (glycine 1837 retained).
Molecular consequence: synonymous variant.
Genome position (GRCh38, 1-based): chr6:33,685,671, C>T. VCF-style: chr6-33685671-C-T. GRCh37 (hg19) VCF-style: chr6-33653448-C-T.
Identifiers: ClinVar variation 3060552 (VCV003060552.2), dbSNP rs749338, ClinGen allele CA3761597.
Genomic context (GRCh38, chr6:33,685,671, plus strand): 5'-GCAGCTCCAGCCTCACCAGGTCTCGCCCACAGGCCGCGTGGCCTCCTTCTCGATACCTGG[C>T]TCCTCATCCCGCTACTCGCTGGGCCCCAGCCTGCGCCGGGGGCACGAGGTGAGCGAACGT-3'
Protein context (NP_002215.2, residues 1827-1847): KGRVASFSIP[Gly1837=]SSSRYSLGPS